The following is an entry in ClinVar:

NM_005188.4(CBL):c.83T>C (p.Leu28Pro)

Genes: CBL (Cbl proto-oncogene; plus strand), LOC130006895 (ATAC-STARR-seq lymphoblastoid silent region 3975; plus strand). Cytogenetic location: 11q23.3.
Variant type: single nucleotide variant.
Coding change: c.83T>C on transcript NM_005188.4 (MANE Select); coding-DNA position 83, T replaced by C.
Protein change: p.Leu28Pro; replaces leucine 28 with proline.
Molecular consequence: missense variant.
Genome position (GRCh38, 1-based): chr11:119,206,500, T>C. VCF-style: chr11-119206500-T-C. GRCh37 (hg19) VCF-style: chr11-119077210-T-C.
Other names: c.83T>C (NM_005188.2); short protein forms L28P.
Identifiers: ClinVar variation 2699339 (VCV002699339.5), dbSNP rs2496819377, ClinGen allele CA382976012.

ClinVar aggregate classification (germline): Uncertain significance. Review status: criteria provided, multiple submitters, no conflicts (2 of 4 stars). 3 submissions from 3 submitters: Uncertain significance (3). Last evaluated 2024-11-07.

Conditions:
RASopathy. Also called: rasopathies; Noonan spectrum disorder. Identifiers: Orphanet 536391, MedGen C5555857, MONDO:0021060.

Allele frequency attached by ClinVar (database versions not stated): gnomAD exomes below 0.00001.
gnomAD v4.1: 1 of 1,568,416 alleles (0.000064%); highest among the groups gnomAD compares: Non-Finnish European, 0.000086%; no homozygotes.

Submissions (3):

GeneDx
Classification: Uncertain significance. Last evaluated: 2024-11-07. Review status: criteria provided, single submitter. Criteria: GeneDx Variant Classification Process June 2021. Collection method: clinical testing. Allele origin: germline. Affected: yes.
Comment: Not observed at significant frequency in large population cohorts (gnomAD); In silico analysis indicates that this missense variant does not alter protein structure/function; Has not been previously published as pathogenic or benign to our knowledge; This variant is associated with the following publications: (PMID: 18034775)

Labcorp Genetics (formerly Invitae), Labcorp
Classification: Uncertain significance for RASopathy. Last evaluated: 2024-06-21. Review status: criteria provided, single submitter. Criteria: Invitae Variant Classification Sherloc (09022015). Collection method: clinical testing. Allele origin: germline.
Comment: This sequence change replaces leucine, which is neutral and non-polar, with proline, which is neutral and non-polar, at codon 28 of the CBL protein (p.Leu28Pro). This variant is not present in population databases (gnomAD no frequency). This variant has not been reported in the literature in individuals affected with CBL-related conditions. Advanced modeling of protein sequence and biophysical properties (such as structural, functional, and spatial information, amino acid conservation, physicochemical variation, residue mobility, and thermodynamic stability) has been performed at Invitae for this missense variant, however the output from this modeling did not meet the statistical confidence thresholds required to predict the impact of this variant on CBL protein function. In summary, the available evidence is currently insufficient to determine the role of this variant in disease. Therefore, it has been classified as a Variant of Uncertain Significance.

Blueprint Genetics
Classification: Uncertain significance. Last evaluated: 2019-12-10. Review status: criteria provided, single submitter. Criteria: ACMG Guidelines, 2015. Collection method: clinical testing. Allele origin: germline.